The following is an entry in ClinVar:

ClinVar aggregate classification (germline): Conflicting classifications of pathogenicity. Review status: criteria provided, conflicting classifications (1 of 4 stars). 2 submissions from 2 submitters: Uncertain significance (1); Likely benign (1). Last evaluated 2025-08-05.

Submissions (2):

Labcorp Genetics (formerly Invitae), Labcorp
Classification: Uncertain significance. Last evaluated: 2025-08-05. Review status: criteria provided, single submitter. Criteria: Invitae Variant Classification Sherloc (09022015). Collection method: clinical testing. Allele origin: germline.
Comment: This sequence change falls in intron 9 of the RECQL gene. It does not directly change the encoded amino acid sequence of the RECQL protein. It affects a nucleotide within the consensus splice site. This variant is present in population databases (rs757895481, gnomAD 0.06%). This variant has not been reported in the literature in individuals affected with RECQL-related conditions. ClinVar contains an entry for this variant (Variation ID: 1196843). Variants that disrupt the consensus splice site are a relatively common cause of aberrant splicing (PMID: 17576681, 9536098). Algorithms developed to predict the effect of sequence changes on RNA splicing suggest that this variant is not likely to affect RNA splicing. In summary, the available evidence is currently insufficient to determine the role of this variant in disease. Therefore, it has been classified as a Variant of Uncertain Significance.

GeneDx
Classification: Likely benign. Last evaluated: 2018-12-11. Review status: criteria provided, single submitter. Criteria: GeneDx Variant Classification Process June 2021. Collection method: clinical testing. Allele origin: germline. Affected: yes.

Literature cited by the submitters: PubMed 17576681 (cited by Labcorp Genetics (formerly Invitae), Labcorp); PubMed 9536098 (cited by Labcorp Genetics (formerly Invitae), Labcorp).

NM_002907.4(RECQL):c.1098+6del

Gene: RECQL (RecQ like helicase; minus strand). Cytogenetic location: 12p12.1.
Variant type: Deletion.
Coding change: c.1098+6del on transcript NM_002907.4 (MANE Select); 6 bases into the intron after coding-DNA position 1098, one base deleted (G; older notation c.1098+6delG).
Molecular consequence: intron variant.
Genome position (GRCh38, 1-based): chr12:21,475,670, C deleted on the plus strand (G on the coding strand, the reverse complement: RECQL is on the minus strand); the first of 2 consecutive C bases (chr12:21,475,670-21,475,671); deleting either gives the same sequence. VCF-style (leftmost placement, unchanged base first): chr12-21475669-AC-A. GRCh37 (hg19) VCF-style: chr12-21628603-AC-A.
Other names: c.1098+6del (NM_032941.3).
Identifiers: ClinVar variation 1196843 (VCV001196843.8), dbSNP rs757895481, ClinGen allele CA6478866.